The following is an entry in ClinVar:

ClinVar aggregate classification (germline): Uncertain significance (1 of 4 stars; one submission).

Conditions:
Hereditary sensory and autonomic neuropathy type 7. Also called: Neuropathy, hereditary sensory and autonomic, type VII; HSAN VII. Identifiers: Orphanet 391397, MedGen C3809882, MONDO:0014244, OMIM 615548.
Familial episodic pain syndrome with predominantly lower limb involvement. Also called: Episodic pain syndrome, familial, 3. Identifiers: Orphanet 391384, Orphanet 391392, MedGen C3809899, MONDO:0014247, OMIM 615552.

Allele frequency attached by ClinVar (database versions not stated): TOPMed below 0.00001; gnomAD 0.00001.
gnomAD v4.1: 1 of 1,610,132 alleles (0.000062%); highest among the groups gnomAD compares: African/African-American, 0.0013%; no homozygotes.

Submission:

Labcorp Genetics (formerly Invitae), Labcorp
Classification: Uncertain significance for Familial episodic pain syndrome with predominantly lower limb involvement; Hereditary sensory and autonomic neuropathy type 7. Last evaluated: 2022-05-22. Review status: criteria provided, single submitter. Criteria: Invitae Variant Classification Sherloc (09022015). Collection method: clinical testing. Allele origin: germline.
Comment: This variant has not been reported in the literature in individuals affected with SCN11A-related conditions. In summary, the available evidence is currently insufficient to determine the role of this variant in disease. Therefore, it has been classified as a Variant of Uncertain Significance. Algorithms developed to predict the effect of missense changes on protein structure and function output the following: SIFT: "Tolerated"; PolyPhen-2: "Benign"; Align-GVGD: "Class C0". The alanine amino acid residue is found in multiple mammalian species, which suggests that this missense change does not adversely affect protein function. This variant is not present in population databases (gnomAD no frequency). This sequence change replaces proline, which is neutral and non-polar, with alanine, which is neutral and non-polar, at codon 479 of the SCN11A protein (p.Pro479Ala).

NM_001349253.2(SCN11A):c.1435C>G (p.Pro479Ala)

Gene: SCN11A (sodium voltage-gated channel alpha subunit 11; minus strand). Cytogenetic location: 3p22.2.
Variant type: single nucleotide variant.
Coding change: c.1435C>G on transcript NM_001349253.2 (MANE Select); coding-DNA position 1435, C replaced by G.
Protein change: p.Pro479Ala; replaces proline 479 with alanine.
Molecular consequence: missense variant.
Genome position (GRCh38, 1-based): chr3:38,907,987, G>C on the plus strand (C>G on the coding strand, the complement: SCN11A is on the minus strand). VCF-style: chr3-38907987-G-C. GRCh37 (hg19) VCF-style: chr3-38949478-G-C.
Other names: c.1435C>G, p.Pro479Ala (NM_014139.3); short protein forms P479A.
Identifiers: ClinVar variation 2427565 (VCV002427565.6), dbSNP rs1186591522, ClinGen allele CA352166571.